The following is an entry in ClinVar:

NM_002470.4(MYH3):c.1337A>G (p.Gln446Arg)

Gene: MYH3 (myosin heavy chain 3; minus strand). Cytogenetic location: 17p13.1.
Variant type: single nucleotide variant.
Coding change: c.1337A>G on transcript NM_002470.4 (MANE Select); coding-DNA position 1337, A replaced by G.
Protein change: p.Gln446Arg; replaces glutamine 446 with arginine.
Molecular consequence: missense variant.
Genome position (GRCh38, 1-based): chr17:10,644,424, T>C on the plus strand (A>G on the coding strand, the complement: MYH3 is on the minus strand). VCF-style: chr17-10644424-T-C. GRCh37 (hg19) VCF-style: chr17-10547741-T-C.
Other names: short protein forms Q446R.
Identifiers: ClinVar variation 2080549 (VCV002080549.4), dbSNP rs747501104, ClinGen allele CA8393024.
Genomic context (GRCh38, chr17:10,644,424, plus strand): 5'-AAGCCTGCAATGTCCAAAACACCAATGAAGTGTTGTCTTGGAAGCTTCGTATCCAGTTGC[T>C]GGTTAATGCGAGTGACCATCCACAAGAACAACTTTTCATAAACTGATTTTGAAAGAGCAT-3'
Protein context (NP_002461.2, residues 436-456): LFLWMVTRIN[Gln446Arg]QLDTKLPRQH

ClinVar aggregate classification (germline): Uncertain significance (1 of 4 stars; one submission).

Allele frequency attached by ClinVar (database versions not stated): ExAC 0.00003; TOPMed 0.00001; gnomAD exomes 0.00002.

Submission:

Labcorp Genetics (formerly Invitae), Labcorp
Classification: Uncertain significance. Last evaluated: 2024-11-27. Review status: criteria provided, single submitter. Criteria: Invitae Variant Classification Sherloc (09022015). Collection method: clinical testing. Allele origin: germline.
Comment: This sequence change replaces glutamine, which is neutral and polar, with arginine, which is basic and polar, at codon 446 of the MYH3 protein (p.Gln446Arg). This variant is present in population databases (rs747501104, gnomAD 0.005%). This variant has not been reported in the literature in individuals affected with MYH3-related conditions. ClinVar contains an entry for this variant (Variation ID: 2080549). Invitae Evidence Modeling of protein sequence and biophysical properties (such as structural, functional, and spatial information, amino acid conservation, physicochemical variation, residue mobility, and thermodynamic stability) indicates that this missense variant is not expected to disrupt MYH3 protein function with a negative predictive value of 95%. In summary, the available evidence is currently insufficient to determine the role of this variant in disease. Therefore, it has been classified as a Variant of Uncertain Significance.